The following is an entry in ClinVar:

ClinVar aggregate classification (germline): Likely benign (0 of 4 stars; one submission).

Conditions:
SCN4A-related disorder. Also called: SCN4A-related disorders.

Allele frequency attached by ClinVar (database versions not stated): 1000 Genomes Project 30x 0.00016; 1000 Genomes Project 0.00020.

Submission:

PreventionGenetics, part of Exact Sciences
Classification: Likely benign for SCN4A-related condition. Last evaluated: 2021-06-23. Review status: no assertion criteria provided. Collection method: clinical testing. Allele origin: germline.
Comment: This variant is classified as likely benign based on ACMG/AMP sequence variant interpretation guidelines (Richards et al. 2015 PMID: 25741868, with internal and published modifications).

NM_000334.4(SCN4A):c.483-4C>A

Gene: SCN4A (sodium voltage-gated channel alpha subunit 4; minus strand). Cytogenetic location: 17q23.3.
Variant type: single nucleotide variant.
Coding change: c.483-4C>A on transcript NM_000334.4 (MANE Select); 4 bases into the intron before coding-DNA position 483, C replaced by A.
Molecular consequence: intron variant.
Genome position (GRCh38, 1-based): chr17:63,971,854, G>T on the plus strand (C>A on the coding strand, the complement: SCN4A is on the minus strand). VCF-style: chr17-63971854-G-T. GRCh37 (hg19) VCF-style: chr17-62049214-G-T.
Identifiers: ClinVar variation 3031233 (VCV003031233.2), dbSNP rs200062384, ClinGen allele CA8710134.